The following is an entry in ClinVar:

ClinVar aggregate classification (germline): Uncertain significance (1 of 4 stars; one submission).

Submission:

Labcorp Genetics (formerly Invitae), Labcorp
Classification: Uncertain significance. Last evaluated: 2024-11-05. Review status: criteria provided, single submitter. Criteria: Invitae Variant Classification Sherloc (09022015). Collection method: clinical testing. Allele origin: germline.
Comment: This sequence change replaces proline, which is neutral and non-polar, with leucine, which is neutral and non-polar, at codon 489 of the POLE protein (p.Pro489Leu). This variant is not present in population databases (gnomAD no frequency). This variant has not been reported in the literature in individuals affected with POLE-related conditions. ClinVar contains an entry for this variant (Variation ID: 1018338). Invitae Evidence Modeling of protein sequence and biophysical properties (such as structural, functional, and spatial information, amino acid conservation, physicochemical variation, residue mobility, and thermodynamic stability) indicates that this missense variant is expected to disrupt POLE protein function with a positive predictive value of 80%. In summary, the available evidence is currently insufficient to determine the role of this variant in disease. Therefore, it has been classified as a Variant of Uncertain Significance.

NM_006231.4(POLE):c.1466C>T (p.Pro489Leu)

Gene: POLE (DNA polymerase epsilon, catalytic subunit; minus strand). Cytogenetic location: 12q24.33.
Variant type: single nucleotide variant.
Coding change: c.1466C>T on transcript NM_006231.4 (MANE Select); coding-DNA position 1466, C replaced by T.
Protein change: p.Pro489Leu; replaces proline 489 with leucine.
Molecular consequence: missense variant.
Genome position (GRCh38, 1-based): chr12:132,673,171, G>A on the plus strand (C>T on the coding strand, the complement: POLE is on the minus strand). VCF-style: chr12-132673171-G-A. GRCh37 (hg19) VCF-style: chr12-133249757-G-A.
Other names: short protein forms P489L.
Identifiers: ClinVar variation 1018338 (VCV001018338.8), dbSNP rs779550685, ClinGen allele CA387358068.